The following is an entry in ClinVar:

ClinVar aggregate classification (germline): Uncertain significance. Review status: criteria provided, multiple submitters, no conflicts (2 of 4 stars). 2 submissions from 2 submitters: Uncertain significance (2). Last evaluated 2022-02-01.

Conditions:
Fraser syndrome 1 (FRASRS1). Also called: CRYPTOPHTHALMOS WITH OTHER MALFORMATIONS. Identifiers: Orphanet 2052, MedGen C4551480, MONDO:0054737, OMIM 219000.

Allele frequency attached by ClinVar (database versions not stated): gnomAD 0.00001; gnomAD exomes 0.00001 and 0.00003; TOPMed 0.00001; ExAC 0.00005; 1000 Genomes Project 30x 0.00016.
gnomAD v4.1: 18 of 1,606,664 alleles (0.0011%); highest among the groups gnomAD compares: Admixed American, 0.02%; 1 homozygote.

Submissions (2):

Fulgent Genetics
Classification: Uncertain significance for Fraser syndrome 1. Last evaluated: 2022-02-01. Review status: criteria provided, single submitter. Criteria: ACMG Guidelines, 2015. Collection method: clinical testing. Allele origin: unknown.

Labcorp Genetics (formerly Invitae), Labcorp
Classification: Uncertain significance. Last evaluated: 2021-09-20. Review status: criteria provided, single submitter. Criteria: Invitae Variant Classification Sherloc (09022015). Collection method: clinical testing. Allele origin: germline.
Comment: This sequence change replaces alanine with valine at codon 1669 of the FRAS1 protein (p.Ala1669Val). The alanine residue is moderately conserved and there is a small physicochemical difference between alanine and valine. This variant is present in population databases (rs774087208, ExAC 0.07%). This variant has not been reported in the literature in individuals affected with FRAS1-related conditions. Algorithms developed to predict the effect of missense changes on protein structure and function output the following: SIFT: "Tolerated"; PolyPhen-2: "Benign"; Align-GVGD: "Class C0". The valine amino acid residue is found in multiple mammalian species, which suggests that this missense change does not adversely affect protein function. In summary, the available evidence is currently insufficient to determine the role of this variant in disease. Therefore, it has been classified as a Variant of Uncertain Significance.

NM_025074.7(FRAS1):c.5006C>T (p.Ala1669Val)

Gene: FRAS1 (Fraser extracellular matrix complex subunit 1; plus strand). Cytogenetic location: 4q21.21.
Variant type: single nucleotide variant.
Coding change: c.5006C>T on transcript NM_025074.7 (MANE Select); coding-DNA position 5006, C replaced by T.
Protein change: p.Ala1669Val; replaces alanine 1669 with valine.
Molecular consequence: missense variant.
Genome position (GRCh38, 1-based): chr4:78,432,393, C>T. VCF-style: chr4-78432393-C-T. GRCh37 (hg19) VCF-style: chr4-79353547-C-T.
Other names: c.5006C>T, p.Ala1669Val (NM_001166133.2); short protein forms A1669V.
Identifiers: ClinVar variation 1469113 (VCV001469113.4), dbSNP rs774087208, ClinGen allele CA2977400.